The following is an entry in ClinVar:

NC_000017.10:g.(?_41226342)_(41226544_?)del

Gene: BRCA1 (BRCA1 DNA repair associated; minus strand). Cytogenetic location: 17q21.31.
Variant type: Deletion.
Identifiers: ClinVar variation 2425730 (VCV002425730.2).

ClinVar aggregate classification (germline): Pathogenic (1 of 4 stars; one submission).

Conditions:
Hereditary breast ovarian cancer syndrome. Also called: Hereditary breast and ovarian cancer syndrome (HBOC); Breast and ovarian cancer; Hereditary breast and/or ovarian cancer syndrome; Hereditary breast and ovarian cancer; BRCA1- and BRCA2-Associated Hereditary Breast and Ovarian Cancer; Hereditary breast and ovarian cancer syndrome. Identifiers: Orphanet 145, MedGen C0677776, MeSH D061325, MONDO:0003582. Disease mechanism: loss of function.

Submission:

Labcorp Genetics (formerly Invitae), Labcorp
Classification: Pathogenic for Hereditary breast ovarian cancer syndrome. Last evaluated: 2022-07-12. Review status: criteria provided, single submitter. Criteria: Invitae Variant Classification Sherloc (09022015). Collection method: clinical testing. Allele origin: germline.
Comment: This variant is a gross deletion of the genomic region encompassing exon(s) 14 of the BRCA1 gene. This deletion is out-of-frame, and is expected to create a premature termination codon and result in an absent or disrupted protein product. Loss-of-function variants in BRCA1 are known to be pathogenic (PMID: 20104584). A similar copy number variant has been observed in individual(s) with hereditary breast and ovarian cancer (PMID: 16793929, 22006311). For these reasons, this variant has been classified as Pathogenic.

Literature cited by the submitters: PubMed 20104584; PubMed 16793929; PubMed 22006311.